The following is an entry in ClinVar:

NM_177438.3(DICER1):c.5459A>G (p.Tyr1820Cys)

Gene: DICER1 (dicer 1, ribonuclease III; minus strand). Cytogenetic location: 14q32.13.
Variant type: single nucleotide variant.
Coding change: c.5459A>G on transcript NM_177438.3 (MANE Select); coding-DNA position 5459, A replaced by G.
Protein change: p.Tyr1820Cys; replaces tyrosine 1820 with cysteine.
Molecular consequence: missense variant. On other transcripts: intron variant (1).
Genome position (GRCh38, 1-based): chr14:95,091,271, T>C on the plus strand (A>G on the coding strand, the complement: DICER1 is on the minus strand). VCF-style: chr14-95091271-T-C. GRCh37 (hg19) VCF-style: chr14-95557608-T-C.
Other names: c.5459A>G, p.Tyr1820Cys (NM_001271282.3, NM_001291628.2, NM_030621.4); c.5365-162A>G (NM_001195573.1); short protein forms Y1820C.
Identifiers: ClinVar variation 825750 (VCV000825750.4), dbSNP rs1595314725, ClinGen allele CA390864609.
Genomic context (GRCh38, chr14:95,091,271, plus strand): 5'-GGCCGCATCATGGGATAGTACACCTGCCAGACTGTCTCCAGTGACATCCCACTATCCATG[T>C]AAATGGCACCAGCAAGCGACTCAAAAATATCCCCCATGGCCTTTGGAACTTCAATATCCT-3'
Protein context (NP_803187.1, residues 1810-1830): DIFESLAGAI[Tyr1820Cys]MDSGMSLETV

ClinVar aggregate classification (germline): Uncertain significance (1 of 4 stars; one submission).

Conditions:
Hereditary cancer-predisposing syndrome. Also called: Neoplastic Syndromes, Hereditary; Tumor predisposition; Hereditary neoplastic syndrome; Hereditary Cancer Syndrome. Identifiers: Orphanet 140162, MedGen C0027672, MeSH D009386, MONDO:0015356.

Submission:

Ambry Genetics
Classification: Uncertain significance for Hereditary cancer-predisposing syndrome. Last evaluated: 2019-10-08. Review status: criteria provided, single submitter. Criteria: Ambry Variant Classification Scheme 2023. Collection method: clinical testing. Allele origin: germline.
Comment: The p.Y1820C variant (also known as c.5459A>G), located in coding exon 24 of the DICER1 gene, results from an A to G substitution at nucleotide position 5459. The tyrosine at codon 1820 is replaced by cysteine, an amino acid with highly dissimilar properties. This amino acid position is highly conserved in available vertebrate species. In addition, this alteration is predicted to be deleterious by in silico analysis. Since supporting evidence is limited at this time, the clinical significance of this alteration remains unclear.